The following is an entry in ClinVar:

ClinVar aggregate classification (germline): Likely pathogenic (1 of 4 stars; one submission).

Allele frequency attached by ClinVar (database versions not stated): gnomAD exomes 0.00001; TOPMed 0.00017; gnomAD 0.00004.
gnomAD v4.1: 18 of 1,613,184 alleles (0.0011%); highest among the groups gnomAD compares: Middle Eastern, 0.033%; no homozygotes.

Submission:

Labcorp Genetics (formerly Invitae), Labcorp
Classification: Likely pathogenic. Last evaluated: 2024-10-30. Review status: criteria provided, single submitter. Criteria: Invitae Variant Classification Sherloc (09022015). Collection method: clinical testing. Allele origin: germline.
Comment: This sequence change affects an acceptor splice site in intron 9 of the CEP63 gene. It is expected to disrupt RNA splicing. Variants that disrupt the donor or acceptor splice site typically lead to a loss of protein function (PMID: 16199547), and loss-of-function variants in CEP63 are known to be pathogenic (PMID: 21983783, 23936128, 26158450). This variant is present in population databases (no rsID available, gnomAD 0.007%). This variant has not been reported in the literature in individuals affected with CEP63-related conditions. ClinVar contains an entry for this variant (Variation ID: 2192470). Algorithms developed to predict the effect of sequence changes on RNA splicing suggest that this variant may disrupt the consensus splice site. In summary, the currently available evidence indicates that the variant is pathogenic, but additional data are needed to prove that conclusively. Therefore, this variant has been classified as Likely Pathogenic.

Literature cited by the submitters: PubMed 16199547; PubMed 21983783; PubMed 23936128; PubMed 26158450.

NM_001353108.3(CEP63):c.930-1G>A

Gene: CEP63 (centrosomal protein 63; plus strand). Cytogenetic location: 3q22.2.
Variant type: single nucleotide variant.
Coding change: c.930-1G>A on transcript NM_001353108.3 (MANE Select); the canonical splice acceptor site of the intron before coding-DNA position 930, G replaced by A.
Molecular consequence: splice acceptor variant. On other transcripts: intron variant (12).
Genome position (GRCh38, 1-based): chr3:134,547,334, G>A. VCF-style: chr3-134547334-G-A. GRCh37 (hg19) VCF-style: chr3-134266176-G-A.
Other names: c.930-1G>A (NM_001353113.1, NM_001353110.1, NM_001353117.2 and 4 more transcripts); c.929+1046G>A (NM_001042384.2, NM_001353122.1, NM_001353109.1 and 6 more transcripts); c.956+1046G>A (NM_001353118.1); c.566+1046G>A (NM_001353126.2); c.845+1046G>A (NM_001353125.2).
Identifiers: ClinVar variation 2192470 (VCV002192470.4), dbSNP rs867015582, ClinGen allele CA83750942.
Genomic context (GRCh38, chr3:134,547,334, plus strand): 5'-TGAGCATTATTTTTGTTTGCAGAGATAAAGGCGTTAACAATCATCCTATGTCTTTCCATA[G>A]GCCACGGGAAGAATCTCTGGCAGAAAAGAAGTACACCTCTCAAGGGCAGGGGGACTTAGA-3'